The following is an entry in ClinVar:

ClinVar aggregate classification (germline): Uncertain significance. Review status: criteria provided, multiple submitters, no conflicts (2 of 4 stars). 4 submissions from 4 submitters: Uncertain significance (4). Last evaluated 2025-12-28.

Conditions:
Hereditary cancer-predisposing syndrome. Also called: Hereditary Cancer Syndrome; Hereditary neoplastic syndrome; Tumor predisposition; Neoplastic Syndromes, Hereditary. Identifiers: Orphanet 140162, MedGen C0027672, MeSH D009386, MONDO:0015356.
Familial cancer of breast. Also called: BREAST CANCER, FAMILIAL; hereditary breast carcinoma; Hereditary breast cancer. Identifiers: Orphanet 227535, MedGen C0346153, MONDO:0016419, OMIM 114480. Disease mechanism: loss of function.

Allele frequency attached by ClinVar (database versions not stated): gnomAD exomes below 0.00001 and 0.00001; ExAC 0.00001; gnomAD 0.00001; TOPMed 0.00001; ESP Exome Variant Server 0.00008.
gnomAD v4.1: 19 of 1,614,104 alleles (0.0012%); highest among the groups gnomAD compares: Non-Finnish European, 0.0016%; no homozygotes.

Submissions (4):

Labcorp Genetics (formerly Invitae), Labcorp
Classification: Uncertain significance for Familial cancer of breast. Last evaluated: 2025-12-28. Review status: criteria provided, single submitter. Criteria: Invitae Variant Classification Sherloc (09022015). Collection method: clinical testing. Allele origin: germline.
Comment: This sequence change replaces lysine, which is basic and polar, with arginine, which is basic and polar, at codon 708 of the BARD1 protein (p.Lys708Arg). This variant is present in population databases (rs372160908, gnomAD 0.0009%). This variant has not been reported in the literature in individuals affected with BARD1-related conditions. ClinVar contains an entry for this variant (Variation ID: 127731). An algorithm developed to predict the effect of missense changes on protein structure and function (PolyPhen-2) suggests that this variant is likely to be disruptive. In summary, the available evidence is currently insufficient to determine the role of this variant in disease. Therefore, it has been classified as a Variant of Uncertain Significance.

Ambry Genetics
Classification: Uncertain significance for Hereditary cancer-predisposing syndrome. Last evaluated: 2025-06-02. Review status: criteria provided, single submitter. Criteria: Ambry Variant Classification Scheme 2023. Collection method: clinical testing. Allele origin: germline.
Comment: The p.K708R variant (also known as c.2123A>G), located in coding exon 11 of the BARD1 gene, results from an A to G substitution at nucleotide position 2123. The lysine at codon 708 is replaced by arginine, an amino acid with highly similar properties. This variant was reported in 1/60,466 breast cancer cases and in 1/53,461 controls (Dorling et al. N Engl J Med. 2021 02;384:428-439). This amino acid position is highly conserved in available vertebrate species. In addition, this alteration is predicted to be tolerated by in silico analysis. Since supporting evidence is limited at this time, the clinical significance of this alteration remains unclear.

Color Diagnostics, LLC DBA Color Health
Classification: Uncertain significance for Hereditary cancer-predisposing syndrome. Last evaluated: 2023-12-06. Review status: criteria provided, single submitter. Criteria: ACMG Guidelines, 2015. Collection method: clinical testing. Allele origin: germline.
Comment: This missense variant replaces lysine with arginine at codon 708 of the BARD1 protein. Computational prediction suggests that this variant may not impact protein structure and function. To our knowledge, functional studies have not been reported for this variant. This variant has not been reported in individuals affected with BARD1-related disorders in the literature. This variant has been identified in 2/282770 chromosomes in the general population by the Genome Aggregation Database (gnomAD). The available evidence is insufficient to determine the role of this variant in disease conclusively. Therefore, this variant is classified as a Variant of Uncertain Significance.

GeneDx
Classification: Uncertain significance. Last evaluated: 2017-09-29. Review status: criteria provided, single submitter. Criteria: GeneDx Variant Classification (06012015). Collection method: clinical testing. Allele origin: germline. Affected: yes.
Comment: This variant is denoted BARD1 c.2123A>G at the cDNA level, p.Lys708Arg (K708R) at the protein level, and results in the change of a Lysine to an Arginine (AAG>AGG). This variant has not, to our knowledge, been published in the literature as pathogenic or benign. BARD1 Lys708Arg was not observed at a significant allele frequency in individuals of European (Non-Finnish) ancestry in large population cohorts (Lek 2016). Since Lysine and Arginine share similar properties, this is considered a conservative amino acid substitution. BARD1 Lys708Arg occurs at a position that is conserved across species and is located within the BRCT2 domain (UniProt, Fox 2008). In silico analyses are inconsistent regarding the effect this variant may have on protein structure and function. Based on currently available evidence, it is unclear whether BARD1 Lys708Arg is a pathogenic or benign variant. We consider it to be a variant of uncertain significance.

Literature cited by the submitters: PubMed 33471991 (cited by Ambry Genetics).

NM_000465.4(BARD1):c.2123A>G (p.Lys708Arg)

Gene: BARD1 (BRCA1 associated RING domain 1; minus strand). Cytogenetic location: 2q35.
Variant type: single nucleotide variant.
Coding change: c.2123A>G on transcript NM_000465.4 (MANE Select); coding-DNA position 2123, A replaced by G.
Protein change: p.Lys708Arg; replaces lysine 708 with arginine.
Molecular consequence: missense variant. On other transcripts: non-coding transcript variant (3).
Genome position (GRCh38, 1-based): chr2:214,728,887, T>C on the plus strand (A>G on the coding strand, the complement: BARD1 is on the minus strand). VCF-style: chr2-214728887-T-C. GRCh37 (hg19) VCF-style: chr2-215593611-T-C.
Other names: p.K708R:AAG>AGG; c.2066A>G, p.Lys689Arg (NM_001282543.2); c.770A>G, p.Lys257Arg (NM_001282545.2); c.713A>G, p.Lys238Arg (NM_001282548.2); c.584A>G, p.Lys195Arg (NM_001282549.2); short protein forms K708R, K257R, K689R, K238R, K195R.
Identifiers: ClinVar variation 127731 (VCV000127731.25), dbSNP rs372160908, ClinGen allele CA287533.